The following is an entry in ClinVar:

NM_001286577.2(C2CD3):c.3028A>G (p.Ile1010Val)

Gene: C2CD3 (C2 domain containing 3 centriole elongation regulator; minus strand). Cytogenetic location: 11q13.4.
Variant type: single nucleotide variant.
Coding change: c.3028A>G on transcript NM_001286577.2 (MANE Select); coding-DNA position 3028, A replaced by G.
Protein change: p.Ile1010Val; replaces isoleucine 1010 with valine.
Molecular consequence: missense variant.
Genome position (GRCh38, 1-based): chr11:74,095,360, T>C on the plus strand (A>G on the coding strand, the complement: C2CD3 is on the minus strand). VCF-style: chr11-74095360-T-C. GRCh37 (hg19) VCF-style: chr11-73806405-T-C.
Other names: c.3028A>G, p.Ile1010Val (NM_015531.6); short protein forms I1010V.
Identifiers: ClinVar variation 2080918 (VCV002080918.4), dbSNP rs201022343, ClinGen allele CA6182496.

ClinVar aggregate classification (germline): Uncertain significance (1 of 4 stars; one submission).

Allele frequency attached by ClinVar (database versions not stated): gnomAD 0.00001; ExAC 0.00002; TOPMed 0.00002; gnomAD exomes 0.00001; 1000 Genomes Project 0.00020.
gnomAD v4.1: 4 of 1,613,660 alleles (0.00025%); highest among the groups gnomAD compares: Admixed American, 0.0067%; no homozygotes.

Submission:

Labcorp Genetics (formerly Invitae), Labcorp
Classification: Uncertain significance. Last evaluated: 2022-08-16. Review status: criteria provided, single submitter. Criteria: Invitae Variant Classification Sherloc (09022015). Collection method: clinical testing. Allele origin: germline.
Comment: In summary, the available evidence is currently insufficient to determine the role of this variant in disease. Therefore, it has been classified as a Variant of Uncertain Significance. Algorithms developed to predict the effect of missense changes on protein structure and function output the following: SIFT: "Tolerated"; PolyPhen-2: "Benign"; Align-GVGD: "Class C0". The valine amino acid residue is found in multiple mammalian species, which suggests that this missense change does not adversely affect protein function. This variant has not been reported in the literature in individuals affected with C2CD3-related conditions. This variant is present in population databases (rs201022343, gnomAD 0.006%). This sequence change replaces isoleucine, which is neutral and non-polar, with valine, which is neutral and non-polar, at codon 1010 of the C2CD3 protein (p.Ile1010Val).